The following is an entry in ClinVar:

NM_004429.5(EFNB1):c.152T>G (p.Val51Gly)

Gene: EFNB1 (ephrin B1; plus strand). Cytogenetic location: Xq13.1.
Variant type: single nucleotide variant.
Coding change: c.152T>G on transcript NM_004429.5 (MANE Select); coding-DNA position 152, T replaced by G.
Protein change: p.Val51Gly; replaces valine 51 with glycine.
Molecular consequence: missense variant.
Genome position (GRCh38, 1-based): chrX:68,838,640, T>G. VCF-style: chrX-68838640-T-G. GRCh37 (hg19) VCF-style: chrX-68058483-T-G.
Other names: short protein forms V51G.
Identifiers: ClinVar variation 2855727 (VCV002855727.3), dbSNP rs2520012744, ClinGen allele CA413437307.

ClinVar aggregate classification (germline): Uncertain significance (1 of 4 stars; one submission).

Submission:

Labcorp Genetics (formerly Invitae), Labcorp
Classification: Uncertain significance. Last evaluated: 2023-04-12. Review status: criteria provided, single submitter. Criteria: Invitae Variant Classification Sherloc (09022015). Collection method: clinical testing. Allele origin: germline.
Comment: In summary, the available evidence is currently insufficient to determine the role of this variant in disease. Therefore, it has been classified as a Variant of Uncertain Significance. Advanced modeling of protein sequence and biophysical properties (such as structural, functional, and spatial information, amino acid conservation, physicochemical variation, residue mobility, and thermodynamic stability) performed at Invitae indicates that this missense variant is expected to disrupt EFNB1 protein function. This variant has not been reported in the literature in individuals affected with EFNB1-related conditions. This variant is not present in population databases (gnomAD no frequency). This sequence change replaces valine, which is neutral and non-polar, with glycine, which is neutral and non-polar, at codon 51 of the EFNB1 protein (p.Val51Gly).